The following is an entry in ClinVar:

NM_201596.3(CACNB2):c.1081A>G (p.Ile361Val)

Gene: CACNB2 (calcium voltage-gated channel auxiliary subunit beta 2; plus strand). Cytogenetic location: 10p12.31.
Variant type: single nucleotide variant.
Coding change: c.1081A>G on transcript NM_201596.3 (MANE Select); coding-DNA position 1081, A replaced by G.
Protein change: p.Ile361Val; replaces isoleucine 361 with valine.
Molecular consequence: missense variant.
Genome position (GRCh38, 1-based): chr10:18,534,102, A>G. VCF-style: chr10-18534102-A-G. GRCh37 (hg19) VCF-style: chr10-18823031-A-G.
Other names: c.916A>G, p.Ile306Val (NM_000724.4); c.883A>G, p.Ile295Val (NM_001167945.2); c.802A>G, p.Ile268Val (NM_001330060.2); c.823A>G, p.Ile275Val (NM_001410882.1); c.937A>G, p.Ile313Val (NM_201570.3); c.997A>G, p.Ile333Val (NM_201571.4); c.925A>G, p.Ile309Val (NM_201572.4); c.919A>G, p.Ile307Val (NM_201590.3); and 2 more; short protein forms I295V, I307V, I323V, I337V, I309V, I333V, I361V, I268V.
Identifiers: ClinVar variation 1766134 (VCV001766134.2), dbSNP rs916556534, ClinGen allele CA203165498.
Genomic context (GRCh38, chr10:18,534,102, plus strand): 5'-CTGCACTTTAACTGAATTGTTTCGCCCTTTACAGCGGAAGTTCAGAGTGAAATCGAAAGG[A>G]TTTTTGAACTTGCAAGAACATTGCAGTTGGTGGTCCTTGACGCGGATACAATTAATCATC-3'
Protein context (NP_963890.2, residues 351-371): LAEVQSEIER[Ile361Val]FELARTLQLV

ClinVar aggregate classification (germline): Uncertain significance (1 of 4 stars; one submission).

Conditions:
Cardiovascular phenotype. Identifiers: MedGen CN230736.

Allele frequency attached by ClinVar (database versions not stated): gnomAD exomes below 0.00001; gnomAD 0.00001; TOPMed 0.00002.
gnomAD v4.1: 2 of 1,613,896 alleles (0.00012%); highest among the groups gnomAD compares: African/African-American, 0.0027%; no homozygotes.

Submission:

Ambry Genetics
Classification: Uncertain significance for Cardiovascular phenotype. Last evaluated: 2022-02-21. Review status: criteria provided, single submitter. Criteria: Ambry Variant Classification Scheme 2023. Collection method: clinical testing. Allele origin: germline.
Comment: The p.I307V variant (also known as c.919A>G), located in coding exon 10 of the CACNB2 gene, results from an A to G substitution at nucleotide position 919. The isoleucine at codon 307 is replaced by valine, an amino acid with highly similar properties. This amino acid position is conserved. In addition, this alteration is predicted to be tolerated by in silico analysis. Since supporting evidence is limited at this time, the clinical significance of this alteration remains unclear.